The following is an entry in ClinVar:

NM_014956.5(CEP164):c.1686G>A (p.Lys562=)

Gene: CEP164 (centrosomal protein 164; plus strand). Cytogenetic location: 11q23.3.
Variant type: single nucleotide variant.
Coding change: c.1686G>A on transcript NM_014956.5 (MANE Select); coding-DNA position 1686, G replaced by A.
Protein change: p.Lys562=; no amino-acid change (lysine 562 retained).
Molecular consequence: synonymous variant. On other transcripts: intron variant (27).
Genome position (GRCh38, 1-based): chr11:117,382,904, G>A. VCF-style: chr11-117382904-G-A. GRCh37 (hg19) VCF-style: chr11-117253620-G-A.
Other names: c.1695G>A, p.Lys565= (NM_001271933.2, NM_001440949.1); c.1686G>A, p.Lys562= (NM_001440950.1, NM_001440951.1, NM_001440953.1 and 1 more transcripts); c.1608G>A, p.Lys536= (NM_001440954.1, NM_001440955.1, NM_001440958.1 and 2 more transcripts); c.1557G>A, p.Lys519= (NM_001440960.1); c.1527G>A, p.Lys509= (NM_001440972.1); c.1586+1036G>A (NM_001440967.1, NM_001440961.1); c.1637+1036G>A (NM_001440956.1, NM_001440957.1); c.1577+1036G>A (NM_001440962.1, NM_001440970.1, NM_001440964.1 and 6 more transcripts); and 2 more.
Identifiers: ClinVar variation 4991449 (VCV004991449.1).
Genomic context (GRCh38, chr11:117,382,904, plus strand): 5'-GCATTCCCAGGCCGAGGAGCTGGGCCCTGGGCAGGAAGAGGCAGAGGATCCTGAGGAGAA[G>A]GTGGCGGTCAGCCCCACCCCGCCAGTCTCTCCAGAGGTGTAAGGGCCAGTTTTGTGTGTC-3'
Protein context (NP_055771.4, residues 552-572): GQEEAEDPEE[Lys562=]VAVSPTPPVS

ClinVar aggregate classification (germline): Likely benign (1 of 4 stars; one submission).

Conditions:
CEP164-related disorder. Also called: CEP164-related condition.

gnomAD v4.1: 1 of 1,613,680 alleles (0.000062%); highest among the groups gnomAD compares: Non-Finnish European, 0.000085%; no homozygotes.

Submission:

PreventionGenetics, part of Exact Sciences
Classification: Likely benign for CEP164-related condition. Last evaluated: 2026-06-03. Review status: criteria provided, single submitter. Criteria: ACMG Guidelines, 2015. Collection method: clinical testing. Allele origin: germline.
Comment: This variant is classified as likely benign based on ACMG/AMP sequence variant interpretation guidelines (Richards et al. 2015 PMID: 25741868, with internal and published modifications).